The following is an entry in ClinVar:

ClinVar aggregate classification (germline): Benign/Likely benign. Review status: criteria provided, multiple submitters, no conflicts (2 of 4 stars). 3 submissions from 3 submitters: Benign (1); Likely benign (2). Last evaluated 2025-05-28.

Conditions:
PIK3CG-related disorder. Also called: PIK3CG-related condition.

Allele frequency attached by ClinVar (database versions not stated): ESP Exome Variant Server 0.00062; ExAC 0.00063; gnomAD exomes 0.00076 and 0.00043; gnomAD 0.00106; TOPMed 0.00145; 1000 Genomes Project 0.00040; 1000 Genomes Project 30x 0.00047.
gnomAD v4.1: 845 of 1,614,194 alleles (0.052%); highest among the groups gnomAD compares: Middle Eastern, 0.38%; 1 homozygote.

Submissions (3):

PreventionGenetics, part of Exact Sciences
Classification: Likely benign for PIK3CG-related condition. Last evaluated: 2025-05-28. Review status: criteria provided, single submitter. Criteria: ACMG Guidelines, 2015. Collection method: clinical testing. Allele origin: germline.
Comment: This variant is classified as likely benign based on ACMG/AMP sequence variant interpretation guidelines (Richards et al. 2015 PMID: 25741868, with internal and published modifications).

Labcorp Genetics (formerly Invitae), Labcorp
Classification: Likely benign. Last evaluated: 2019-12-31. Review status: criteria provided, single submitter. Criteria: Invitae Variant Classification Sherloc (09022015). Collection method: clinical testing. Allele origin: germline.

ARUP Laboratories, Molecular Genetics and Genomics, ARUP Laboratories
Classification: Benign. Last evaluated: 2019-03-11. Review status: criteria provided, single submitter. Criteria: ARUP Molecular Germline Variant Investigation Process. Collection method: clinical testing. Allele origin: germline.

NM_001282426.2(PIK3CG):c.1722G>A (p.Leu574=)

Gene: PIK3CG (phosphatidylinositol-4,5-bisphosphate 3-kinase catalytic subunit gamma; plus strand). Cytogenetic location: 7q22.3.
Variant type: single nucleotide variant.
Coding change: c.1722G>A on transcript NM_001282426.2 (MANE Select); coding-DNA position 1722, G replaced by A.
Protein change: p.Leu574=; no amino-acid change (leucine 574 retained).
Molecular consequence: synonymous variant.
Genome position (GRCh38, 1-based): chr7:106,869,283, G>A. VCF-style: chr7-106869283-G-A. GRCh37 (hg19) VCF-style: chr7-106509728-G-A.
Other names: c.1722G>A, p.Leu574= (NM_001282427.2, NM_002649.3); c.1722G>A (NM_001282427.1).
Identifiers: ClinVar variation 775252 (VCV000775252.13), dbSNP rs144082858, ClinGen allele CA4429424.